The following is an entry in ClinVar:

ClinVar aggregate classification (germline): Uncertain significance (1 of 4 stars; one submission).

Conditions:
Hypertrophic cardiomyopathy. Also called: HYPERTROPHIC MYOCARDIOPATHY. Identifiers: Orphanet 217569, MedGen C0007194, MeSH D002312, MONDO:0005045, HP:0001639.

gnomAD v4.1: 3 of 1,606,712 alleles (0.00019%); highest among the groups gnomAD compares: Non-Finnish European, 0.00026%; no homozygotes.

Submission:

Labcorp Genetics (formerly Invitae), Labcorp
Classification: Uncertain significance for Hypertrophic cardiomyopathy. Last evaluated: 2026-01-26. Review status: criteria provided, single submitter. Criteria: Invitae Variant Classification Sherloc (09022015). Collection method: clinical testing. Allele origin: germline.
Comment: This sequence change replaces lysine, which is basic and polar, with arginine, which is basic and polar, at codon 1339 of the MYOM1 protein (p.Lys1339Arg). This variant is not present in population databases (gnomAD no frequency). This variant has not been reported in the literature in individuals affected with MYOM1-related conditions. Invitae Evidence Modeling of protein sequence and biophysical properties (such as structural, functional, and spatial information, amino acid conservation, physicochemical variation, residue mobility, and thermodynamic stability) indicates that this missense variant is not expected to disrupt MYOM1 protein function with a negative predictive value of 80%. In summary, the available evidence is currently insufficient to determine the role of this variant in disease. Therefore, it has been classified as a Variant of Uncertain Significance.

NM_003803.4(MYOM1):c.4016A>G (p.Lys1339Arg)

Gene: MYOM1 (myomesin 1; minus strand). Cytogenetic location: 18p11.31.
Variant type: single nucleotide variant.
Coding change: c.4016A>G on transcript NM_003803.4 (MANE Select); coding-DNA position 4016, A replaced by G.
Protein change: p.Lys1339Arg; replaces lysine 1339 with arginine.
Molecular consequence: missense variant.
Genome position (GRCh38, 1-based): chr18:3,089,590, T>C on the plus strand (A>G on the coding strand, the complement: MYOM1 is on the minus strand). VCF-style: chr18-3089590-T-C. GRCh37 (hg19) VCF-style: chr18-3089588-T-C.
Other names: c.3728A>G, p.Lys1243Arg (NM_019856.2); short protein forms K1339R, K1243R.
Identifiers: ClinVar variation 4760735 (VCV004760735.1).